The following is an entry in ClinVar:

ClinVar aggregate classification (germline): Uncertain significance. Review status: criteria provided, multiple submitters, no conflicts (2 of 4 stars). 2 submissions from 2 submitters: Uncertain significance (2). Last evaluated 2024-12-27.

Conditions:
Hereditary cancer-predisposing syndrome. Also called: Tumor predisposition; Hereditary Cancer Syndrome; Neoplastic Syndromes, Hereditary; Hereditary neoplastic syndrome. Identifiers: Orphanet 140162, MedGen C0027672, MeSH D009386, MONDO:0015356.
Peutz-Jeghers syndrome (PJS). Also called: POLYPOSIS, HAMARTOMATOUS INTESTINAL; POLYPS-AND-SPOTS SYNDROME; Peutz-Jeghers polyposis; Periorificial lentiginosis syndrome. Identifiers: Orphanet 2869, MedGen C0031269, MeSH D010580, MONDO:0008280, OMIM 175200.

Allele frequency attached by ClinVar (database versions not stated): TOPMed 0.00001.

Submissions (2):

Ambry Genetics
Classification: Uncertain significance for Hereditary cancer-predisposing syndrome. Last evaluated: 2024-12-27. Review status: criteria provided, single submitter. Criteria: Ambry Variant Classification Scheme 2023. Collection method: clinical testing. Allele origin: germline.
Comment: The p.D330G variant (also known as c.989A>G), located in coding exon 8 of the STK11 gene, results from an A to G substitution at nucleotide position 989. The aspartic acid at codon 330 is replaced by glycine, an amino acid with similar properties. This amino acid position is conserved. In addition, the in silico prediction for this alteration is inconclusive. Based on the available evidence, the clinical significance of this variant remains unclear.

Labcorp Genetics (formerly Invitae), Labcorp
Classification: Uncertain significance for Peutz-Jeghers syndrome. Last evaluated: 2022-03-19. Review status: criteria provided, single submitter. Criteria: Invitae Variant Classification Sherloc (09022015). Collection method: clinical testing. Allele origin: germline.
Comment: This sequence change replaces aspartic acid, which is acidic and polar, with glycine, which is neutral and non-polar, at codon 330 of the STK11 protein (p.Asp330Gly). This variant is not present in population databases (gnomAD no frequency). This variant has not been reported in the literature in individuals affected with STK11-related conditions. Advanced modeling of protein sequence and biophysical properties (such as structural, functional, and spatial information, amino acid conservation, physicochemical variation, residue mobility, and thermodynamic stability) performed at Invitae indicates that this missense variant is expected to disrupt STK11 protein function. In summary, the available evidence is currently insufficient to determine the role of this variant in disease. Therefore, it has been classified as a Variant of Uncertain Significance.

NM_000455.5(STK11):c.989A>G (p.Asp330Gly)

Genes: STK11 (serine/threonine kinase 11; plus strand), LOC130062899 (ATAC-STARR-seq lymphoblastoid active region 13597; plus strand). Cytogenetic location: 19p13.3.
Variant type: single nucleotide variant.
Coding change: c.989A>G on transcript NM_000455.5 (MANE Select); coding-DNA position 989, A replaced by G.
Protein change: p.Asp330Gly; replaces aspartic acid 330 with glycine.
Molecular consequence: missense variant.
Genome position (GRCh38, 1-based): chr19:1,223,053, A>G. VCF-style: chr19-1223053-A-G. GRCh37 (hg19) VCF-style: chr19-1223052-A-G.
Other names: c.989A>G, p.Asp330Gly (NM_001407255.1); short protein forms D330G.
Identifiers: ClinVar variation 2114691 (VCV002114691.5), dbSNP rs1034888250, ClinGen allele CA304028738.
Genomic context (GRCh38, chr19:1,223,053, plus strand): 5'-GGAAGAAACATCCTCCGGCTGAAGCACCAGTGCCCATCCCACCGAGCCCAGACACCAAGG[A>G]CCGGTGGCGCAGCATGACTGTGGTGCCGTACTTGGAGGACCTGCACGGCGCGGACGAGGA-3'
Protein context (NP_000446.1, residues 320-340): VPIPPSPDTK[Asp330Gly]RWRSMTVVPY